The following is an entry in ClinVar:

ClinVar aggregate classification (germline): Conflicting classifications of pathogenicity. Review status: criteria provided, conflicting classifications (1 of 4 stars). 4 submissions from 4 submitters: Uncertain significance (3); Likely benign (1). Last evaluated 2024-02-11.

Conditions:
Hereditary cancer-predisposing syndrome. Also called: Neoplastic Syndromes, Hereditary; Tumor predisposition; Hereditary Cancer Syndrome; Hereditary neoplastic syndrome. Identifiers: Orphanet 140162, MedGen C0027672, MeSH D009386, MONDO:0015356.
Hereditary breast ovarian cancer syndrome. Also called: Breast and ovarian cancer; Hereditary breast and ovarian cancer; Hereditary breast and/or ovarian cancer syndrome; BRCA1- and BRCA2-Associated Hereditary Breast and Ovarian Cancer; Hereditary breast and ovarian cancer syndrome; Hereditary breast and ovarian cancer syndrome (HBOC). Identifiers: Orphanet 145, MedGen C0677776, MeSH D061325, MONDO:0003582. Disease mechanism: loss of function.

Submissions (4):

Ambry Genetics
Classification: Uncertain significance for Hereditary cancer-predisposing syndrome. Last evaluated: 2024-02-11. Review status: criteria provided, single submitter. Criteria: Ambry Variant Classification Scheme 2023. Collection method: clinical testing. Allele origin: germline.
Comment: The p.I1884F variant (also known as c.5650A>T), located in coding exon 10 of the BRCA2 gene, results from an A to T substitution at nucleotide position 5650. The isoleucine at codon 1884 is replaced by phenylalanine, an amino acid with highly similar properties. This amino acid position is poorly conserved in available vertebrate species. In addition, this alteration is predicted to be tolerated by in silico analysis. Since supporting evidence is limited at this time, the clinical significance of this alteration remains unclear.

University of Washington Department of Laboratory Medicine, University of Washington
Classification: Likely benign for Hereditary cancer-predisposing syndrome. Last evaluated: 2023-03-23. Review status: criteria provided, single submitter. Criteria: Dines et al. (Genet Med. 2020). Collection method: curation. Allele origin: germline.
Comment: Missense variant in a coldspot region where missense variants are very unlikely to be pathogenic (PMID:31911673).

BRCA2 exon 11 coldspot. Reclassification based on statistical prior probability.

Color Diagnostics, LLC DBA Color Health
Classification: Uncertain significance for Hereditary cancer-predisposing syndrome. Last evaluated: 2023-02-28. Review status: criteria provided, single submitter. Criteria: ACMG Guidelines, 2015. Collection method: clinical testing. Allele origin: germline.
Comment: This missense variant replaces isoleucine with phenylalanine at codon 1884 of the BRCA2 protein. Computational prediction suggests that this variant may not impact protein structure and function (internally defined REVEL score threshold <= 0.5, PMID: 27666373). To our knowledge, functional studies have not been reported for this variant. This variant has not been reported in individuals affected with BRCA2-related disorders in the literature. This variant has not been identified in the general population by the Genome Aggregation Database (gnomAD). The available evidence is insufficient to determine the role of this variant in disease conclusively. Therefore, this variant is classified as a Variant of Uncertain Significance.

Labcorp Genetics (formerly Invitae), Labcorp
Classification: Uncertain significance for Hereditary breast ovarian cancer syndrome. Last evaluated: 2018-09-26. Review status: criteria provided, single submitter. Criteria: Invitae Variant Classification Sherloc (09022015). Collection method: clinical testing. Allele origin: germline.
Comment: This variant has not been reported in the literature in individuals with BRCA2-related disease. ClinVar contains an entry for this variant (Variation ID: 141809). In summary, the available evidence is currently insufficient to determine the role of this variant in disease. Therefore, it has been classified as a Variant of Uncertain Significance. Algorithms developed to predict the effect of missense changes on protein structure and function are either unavailable or do not agree on the potential impact of this missense change (SIFT: "Tolerated"; PolyPhen-2: "Possibly Damaging"; Align-GVGD: "Class C0"). This variant is not present in population databases (ExAC no frequency). This sequence change replaces isoleucine with phenylalanine at codon 1884 of the BRCA2 protein (p.Ile1884Phe). The isoleucine residue is weakly conserved and there is a small physicochemical difference between isoleucine and phenylalanine.

NM_000059.4(BRCA2):c.5650A>T (p.Ile1884Phe)

Gene: BRCA2 (BRCA2 DNA repair associated; plus strand). Cytogenetic location: 13q13.1.
Variant type: single nucleotide variant.
Coding change: c.5650A>T on transcript NM_000059.4 (MANE Select); coding-DNA position 5650, A replaced by T.
Protein change: p.Ile1884Phe; replaces isoleucine 1884 with phenylalanine.
Molecular consequence: missense variant.
Genome position (GRCh38, 1-based): chr13:32,340,005, A>T. VCF-style: chr13-32340005-A-T. GRCh37 (hg19) VCF-style: chr13-32914142-A-T.
Other names: short protein forms I1884F.
Identifiers: ClinVar variation 141809 (VCV000141809.16), dbSNP rs398122538, ClinGen allele CA022850.
Genomic context (GRCh38, chr13:32,340,005, plus strand): 5'-GACATATTTACAGACAGTTTCAGTAAAGTAATTAAGGAAAACAACGAGAATAAATCAAAA[A>T]TTTGCCAAACGAAAATTATGGCAGGTTGTTACGAGGCATTGGATGATTCAGAGGATATTC-3'
Protein context (NP_000050.3, residues 1874-1894): IKENNENKSK[Ile1884Phe]CQTKIMAGCY